The following is an entry in ClinVar:

NM_004959.5(NR5A1):c.398del (p.Pro133fs)

Gene: NR5A1 (nuclear receptor subfamily 5 group A member 1; minus strand). Cytogenetic location: 9q33.3.
Variant type: Deletion.
Coding change: c.398del on transcript NM_004959.5 (MANE Select); coding-DNA position 398, one base deleted (C; older notation c.398delC).
Protein change: p.Pro133fs; shifts the reading frame from proline 133.
Molecular consequence: frameshift variant.
Genome position (GRCh38, 1-based): chr9:124,500,562, G deleted on the plus strand (C on the coding strand, the reverse complement: NR5A1 is on the minus strand); the first of 5 consecutive G bases (chr9:124,500,562-124,500,566); deleting any one gives the same sequence. VCF-style (leftmost placement, unchanged base first): chr9-124500561-AG-A. GRCh37 (hg19) VCF-style: chr9-127262840-AG-A.
Other names: short protein forms P133fs.
Identifiers: ClinVar variation 817998 (VCV000817998.6), dbSNP rs1588622082, ClinGen allele CA915947131.

ClinVar aggregate classification (germline): Pathogenic. Review status: criteria provided, multiple submitters, no conflicts (2 of 4 stars). 2 submissions from 2 submitters: Pathogenic (2). Last evaluated 2022-08-17.

Conditions:
Oligosynaptic infertility (SPGF1). Also called: SPERMATOGENIC FAILURE 1; OLIGOCHIASMATIC INFERTILITY. Identifiers: MedGen C0403810, MONDO:0009776, OMIM 258150.
46 XY differences of sex development. Also called: 46,XY disorder of sex development; 46, XY disorder of sex development (DSD). Identifiers: Orphanet 98085, MedGen C2751824, MONDO:0020040.

Submissions (2):

Labcorp Genetics (formerly Invitae), Labcorp
Classification: Pathogenic for 46 XY differences of sex development; Oligosynaptic infertility. Last evaluated: 2022-08-17. Review status: criteria provided, single submitter. Criteria: Invitae Variant Classification Sherloc (09022015). Collection method: clinical testing. Allele origin: germline.
Comment: For these reasons, this variant has been classified as Pathogenic. ClinVar contains an entry for this variant (Variation ID: 817998). This variant has not been reported in the literature in individuals affected with NR5A1-related conditions. This variant is not present in population databases (gnomAD no frequency). This sequence change creates a premature translational stop signal (p.Pro133Leufs*163) in the NR5A1 gene. It is expected to result in an absent or disrupted protein product. Loss-of-function variants in NR5A1 are known to be pathogenic (PMID: 10369247, 12907682, 19246354).

GeneDx
Classification: Pathogenic. Last evaluated: 2019-01-23. Review status: criteria provided, single submitter. Criteria: GeneDx Variant Classification (06012015). Collection method: clinical testing. Allele origin: germline. Affected: yes.
Comment: The c.398delC variant in the NR5A1 gene has not been reported previously as a pathogenic variant nor as a benign variant, to our knowledge. The c.398delC variant causes a frameshift starting with codon Proline 133, changes this amino acid to a Leucine residue, and creates a premature Stop codon at position 163 of the new reading frame, denoted p.Pro133LeufsX163. This variant is predicted to cause loss of normal protein function either through protein truncation or nonsense-mediated mRNA decay. The c.398delC variant is not observed in large population cohorts (Lek et al., 2016). We interpret c.398delC as a pathogenic variant.

Literature cited by the submitters: PubMed 10369247 (cited by Labcorp Genetics (formerly Invitae), Labcorp); PubMed 12907682 (cited by Labcorp Genetics (formerly Invitae), Labcorp); PubMed 19246354 (cited by Labcorp Genetics (formerly Invitae), Labcorp).